The following is an entry in ClinVar:

NM_003809.3(TNFSF12):c.284-3C>T

Genes: TNFSF12 (TNF superfamily member 12; plus strand), TNFSF12-TNFSF13 (TNFSF12-TNFSF13 readthrough; plus strand). Cytogenetic location: 17p13.1.
Variant type: single nucleotide variant.
Coding change: c.284-3C>T on transcript NM_003809.3 (MANE Select); 3 bases into the intron before coding-DNA position 284, C replaced by T.
Molecular consequence: intron variant.
Genome position (GRCh38, 1-based): chr17:7,550,796, C>T. VCF-style: chr17-7550796-C-T. GRCh37 (hg19) VCF-style: chr17-7454113-C-T.
Other names: c.284-3C>T (NM_172089.4).
Identifiers: ClinVar variation 1949856 (VCV001949856.5), dbSNP rs2070992023, ClinGen allele CA2245881199.
Genomic context (GRCh38, chr17:7,550,796, plus strand): 5'-GAGAGTTGCTCTGGGACCCCCACTAGGGCCCGCTTTGCTCATCTGTCTTTCCTTGATCCT[C>T]AGCACCTAAAGGCCGGAAAACACGGGCTCGAAGAGCGATCGCAGCCCATTATGAAGGTGG-3'

ClinVar aggregate classification (germline): Uncertain significance (1 of 4 stars; one submission).

Conditions:
Common variable immunodeficiency (CVID). Also called: Common variable hypogamma-globulinemia; Common variable agammaglobulinemia. Identifiers: Orphanet 1572, MedGen C0009447, MONDO:0015517.

Allele frequency attached by ClinVar (database versions not stated): gnomAD exomes 0.00001.
gnomAD v4.1: 7 of 1,609,554 alleles (0.00043%); highest among the groups gnomAD compares: Non-Finnish European, 0.0006%; no homozygotes.

Submission:

Labcorp Genetics (formerly Invitae), Labcorp
Classification: Uncertain significance for Common variable immunodeficiency. Last evaluated: 2023-04-05. Review status: criteria provided, single submitter. Criteria: Invitae Variant Classification Sherloc (09022015). Collection method: clinical testing. Allele origin: germline.
Comment: This sequence change falls in intron 3 of the TNFSF12 gene. It does not directly change the encoded amino acid sequence of the TNFSF12 protein. It affects a nucleotide within the consensus splice site. This variant has not been reported in the literature in individuals affected with TNFSF12-related conditions. In summary, the available evidence is currently insufficient to determine the role of this variant in disease. Therefore, it has been classified as a Variant of Uncertain Significance. Variants that disrupt the consensus splice site are a relatively common cause of aberrant splicing (PMID: 17576681, 9536098). Algorithms developed to predict the effect of sequence changes on RNA splicing suggest that this variant is not likely to affect RNA splicing. ClinVar contains an entry for this variant (Variation ID: 1949856). This variant is not present in population databases (gnomAD no frequency).

Literature cited by the submitters: PubMed 17576681; PubMed 9536098.